The following is an entry in ClinVar:

NM_006567.5(FARS2):c.1213C>T (p.Pro405Ser)

Gene: FARS2 (phenylalanyl-tRNA synthetase 2, mitochondrial; plus strand). Cytogenetic location: 6p25.1.
Variant type: single nucleotide variant.
Coding change: c.1213C>T on transcript NM_006567.5 (MANE Select); coding-DNA position 1213, C replaced by T.
Protein change: p.Pro405Ser; replaces proline 405 with serine.
Molecular consequence: missense variant.
Genome position (GRCh38, 1-based): chr6:5,613,316, C>T. VCF-style: chr6-5613316-C-T. GRCh37 (hg19) VCF-style: chr6-5613549-C-T.
Other names: c.1213C>T, p.Pro405Ser (NM_001318872.2, NM_001374875.1, NM_001374876.1 and 4 more transcripts); c.1081C>T, p.Pro361Ser (NM_001375258.1); c.517C>T, p.Pro173Ser (NM_001375259.1, NM_001375260.1); short protein forms P173S, P405S, P361S.
Identifiers: ClinVar variation 1472378 (VCV001472378.6), dbSNP rs1775291666, ClinGen allele CA362737074.

ClinVar aggregate classification (germline): Uncertain significance (1 of 4 stars; one submission).

Conditions:
Combined oxidative phosphorylation defect type 14. Also called: Combined oxidative phosphorylation deficiency 14. Identifiers: Orphanet 319519, MedGen C4755312, MONDO:0013986, OMIM 614946.

Allele frequency attached by ClinVar (database versions not stated): gnomAD exomes below 0.00001.

Submission:

Labcorp Genetics (formerly Invitae), Labcorp
Classification: Uncertain significance for Combined oxidative phosphorylation defect type 14. Last evaluated: 2025-08-21. Review status: criteria provided, single submitter. Criteria: Invitae Variant Classification Sherloc (09022015). Collection method: clinical testing. Allele origin: germline.
Comment: This sequence change replaces proline, which is neutral and non-polar, with serine, which is neutral and polar, at codon 405 of the FARS2 protein (p.Pro405Ser). This variant is not present in population databases (gnomAD no frequency). This variant has not been reported in the literature in individuals affected with FARS2-related conditions. ClinVar contains an entry for this variant (Variation ID: 1472378). Invitae Evidence Modeling of protein sequence and biophysical properties (such as structural, functional, and spatial information, amino acid conservation, physicochemical variation, residue mobility, and thermodynamic stability) indicates that this missense variant is not expected to disrupt FARS2 protein function with a negative predictive value of 80%. In summary, the available evidence is currently insufficient to determine the role of this variant in disease. Therefore, it has been classified as a Variant of Uncertain Significance.